The following is an entry in ClinVar:

NM_054012.4(ASS1):c.11A>G (p.Lys4Arg)

Gene: ASS1 (argininosuccinate synthase 1; plus strand). Cytogenetic location: 9q34.11.
Variant type: single nucleotide variant.
Coding change: c.11A>G on transcript NM_054012.4 (MANE Select); coding-DNA position 11, A replaced by G.
Protein change: p.Lys4Arg; replaces lysine 4 with arginine.
Molecular consequence: missense variant.
Genome position (GRCh38, 1-based): chr9:130,452,239, A>G. VCF-style: chr9-130452239-A-G. GRCh37 (hg19) VCF-style: chr9-133327626-A-G.
Other names: c.11A>G, p.Lys4Arg (NM_000050.4); short protein forms K4R.
Identifiers: ClinVar variation 3902224 (VCV003902224.1).
Genomic context (GRCh38, chr9:130,452,239, plus strand): 5'-CTGGCTGTCTCAGGGTCACTCAGGTTGTTCCTCGACTCCCGCCAGACGCTATGTCCAGCA[A>G]AGGCTCCGTGGTTCTGGCCTACAGTGGCGGCCTGGACACCTCGTGCATCCTCGTGTGGCT-3'
Protein context (NP_446464.1, residues 1-14): MSS[Lys4Arg]GSVVLAYSGG

ClinVar aggregate classification (germline): Uncertain significance (1 of 4 stars; one submission).

Submission:

Women's Health and Genetics/Laboratory Corporation of America, LabCorp
Classification: Uncertain significance. Last evaluated: 2025-05-14. Review status: criteria provided, single submitter. Criteria: LabCorp Variant Classification Summary - May 2015. Collection method: clinical testing. Allele origin: germline.
Comment: Variant summary: ASS1 c.11A>G (p.Lys4Arg) results in a conservative amino acid change located in the HUPs domain (IPR014729) of the encoded protein sequence. Algorithms developed to predict the effect of missense changes on protein structure and function are either unavailable or do not agree on the potential impact of this missense change. The variant was absent in 251322 control chromosomes. The available data on variant occurrences in the general population are insufficient to allow any conclusion about variant significance. c.11A>G has been observed in one individual affected with Citrullinemia (example, Li_2021). These data do not allow any conclusion about variant significance. To our knowledge, no experimental evidence demonstrating an impact on protein function has been reported. The following publication has been ascertained in the context of this evaluation (PMID: 35095998). No submitters have cited clinical-significance assessments for this variant to ClinVar. Based on the evidence outlined above, the variant was classified as uncertain significance.

Literature cited by the submitters: PubMed 35095998.